The following is an entry in ClinVar:

ClinVar aggregate classification (germline): Uncertain significance (1 of 4 stars; one submission).

Conditions:
Mucopolysaccharidosis type 1. Also called: IDUA deficiency; MPS I; Mucopolysaccharidosis Type I. Identifiers: Orphanet 579, MedGen C0023786, MONDO:0001586.

Submission:

Labcorp Genetics (formerly Invitae), Labcorp
Classification: Uncertain significance for Mucopolysaccharidosis type 1. Last evaluated: 2025-04-03. Review status: criteria provided, single submitter. Criteria: Invitae Variant Classification Sherloc (09022015). Collection method: clinical testing. Allele origin: germline.
Comment: This sequence change replaces leucine, which is neutral and non-polar, with histidine, which is basic and polar, at codon 126 of the IDUA protein (p.Leu126His). Information on the frequency of this variant in the gnomAD database is not available, as this variant may be reported differently in the database. This variant has not been reported in the literature in individuals affected with IDUA-related conditions. An algorithm developed to predict the effect of missense changes on protein structure and function (PolyPhen-2) suggests that this variant is likely to be disruptive. In summary, the available evidence is currently insufficient to determine the role of this variant in disease. Therefore, it has been classified as a Variant of Uncertain Significance.

NM_000203.5(IDUA):c.377_378delinsAT (p.Leu126His)

Gene: IDUA (alpha-L-iduronidase; plus strand). Cytogenetic location: 4p16.3.
Variant type: Indel.
Coding change: c.377_378delinsAT on transcript NM_000203.5 (MANE Select); coding-DNA positions 377 to 378, TC replaced by AT.
Protein change: p.Leu126His; replaces leucine 126 with histidine.
Molecular consequence: missense variant. On other transcripts: 5 prime UTR variant (1), non-coding transcript variant (1).
Genome position (GRCh38, 1-based): chr4:1,000,689-1,000,690, TC replaced by AT. VCF-style: chr4-1000689-TC-AT. GRCh37 (hg19) VCF-style: chr4-994477-TC-AT.
Other names: c.-20_-19delinsAT (NM_001363576.1); short protein forms L126H.
Identifiers: ClinVar variation 4716715 (VCV004716715.1).
Genomic context (GRCh38, chr4:1,000,689, plus strand): 5'-GCCTGAGCTACAACTTCACCCACCTGGACGGGTACCTGGACCTTCTCAGGGAGAACCAGC[TC>AT]CTCCCAGGTGAGCTGTGGGCTCTGCCCTCCCAGCCCGCCTGCACCCCCTTGCCCTGCCCA-3'
Protein context (NP_000194.2, residues 116-136): GYLDLLRENQ[Leu126His]LPGFELMGSA